The following is an entry in ClinVar:

NM_021625.5(TRPV4):c.989C>T (p.Ala330Val)

Gene: TRPV4 (transient receptor potential cation channel subfamily V member 4; minus strand). Cytogenetic location: 12q24.11.
Variant type: single nucleotide variant.
Coding change: c.989C>T on transcript NM_021625.5 (MANE Select); coding-DNA position 989, C replaced by T.
Protein change: p.Ala330Val; replaces alanine 330 with valine.
Molecular consequence: missense variant.
Genome position (GRCh38, 1-based): chr12:109,798,777, G>A on the plus strand (C>T on the coding strand, the complement: TRPV4 is on the minus strand). VCF-style: chr12-109798777-G-A. GRCh37 (hg19) VCF-style: chr12-110236582-G-A.
Other names: c.848C>T, p.Ala283Val (NM_001177428.2, NM_001177433.2); c.887C>T, p.Ala296Val (NM_001177431.2); c.989C>T, p.Ala330Val (NM_147204.3); short protein forms A283V, A296V, A330V.
Identifiers: ClinVar variation 3776495 (VCV003776495.1).

ClinVar aggregate classification (germline): Uncertain significance (1 of 4 stars; one submission).

Submission:

GeneDx
Classification: Uncertain significance. Last evaluated: 2024-10-02. Review status: criteria provided, single submitter. Criteria: GeneDx Variant Classification Process June 2021. Collection method: clinical testing. Allele origin: germline. Affected: yes.
Comment: Not observed at significant frequency in large population cohorts (gnomAD); In silico analysis indicates that this missense variant does not alter protein structure/function; Has not been previously published as pathogenic or benign to our knowledge